The following is an entry in ClinVar:

ClinVar aggregate classification (germline): Uncertain significance (1 of 4 stars; one submission).

Conditions:
Arrhythmogenic right ventricular dysplasia 5. Also called: Arrhythmogenic Right Ventricular Dysplasia/Cardiomyopathy 5; ARRHYTHMOGENIC RIGHT VENTRICULAR DYSPLASIA, FAMILIAL, 5. Identifiers: MedGen C1858379, MONDO:0011459, OMIM 604400.

Submission:

All of Us Research Program, National Institutes of Health
Classification: Uncertain significance for Arrhythmogenic right ventricular dysplasia 5. Last evaluated: 2023-09-04. Review status: criteria provided, single submitter. Criteria: ACMG Guidelines, 2015. Collection method: clinical testing. Allele origin: germline. Inheritance: Autosomal dominant inheritance. Observed: 1 variant allele, 1 heterozygote.
Comment: This variant changes 1 nucleotide in the 5' untranslated region in the TMEM43 gene. To our knowledge, functional studies have not been reported for this variant. This variant has not been reported in individuals affected with cardiovascular disorders in the literature. This variant has not been identified in the general population by the Genome Aggregation Database (gnomAD). The available evidence is insufficient to determine the role of this variant in disease conclusively. Therefore, this variant is classified as a Variant of Uncertain Significance.

This study involves interpretation of variants in research participants for the purpose of population health screening. Participant phenotype was not available at the time of variant classification. Additional details can be found in publication PMID: 35346344, PMCID: PMC8962531

NM_024334.3(TMEM43):c.-10G>C

Gene: TMEM43 (transmembrane protein 43; plus strand). Cytogenetic location: 3p25.1.
Variant type: single nucleotide variant.
Coding change: c.-10G>C on transcript NM_024334.3 (MANE Select); 10 bases upstream of the start codon, G replaced by C.
Molecular consequence: 5 prime UTR variant.
Genome position (GRCh38, 1-based): chr3:14,125,184, G>C. VCF-style: chr3-14125184-G-C. GRCh37 (hg19) VCF-style: chr3-14166684-G-C.
Other names: c.-10G>C (NM_001407278.1, NM_001407279.1, NM_001407280.1 and 4 more transcripts).
Identifiers: ClinVar variation 3073316 (VCV003073316.1), dbSNP rs2470169964, ClinGen allele CA2825001181.